The following is an entry in ClinVar:

ClinVar aggregate classification (germline): Uncertain significance. Review status: criteria provided, multiple submitters, no conflicts (2 of 4 stars). 2 submissions from 2 submitters: Uncertain significance (2). Last evaluated 2026-04-22.

Conditions:
Hereditary cancer-predisposing syndrome. Also called: Hereditary Cancer Syndrome; Neoplastic Syndromes, Hereditary; Tumor predisposition; Hereditary neoplastic syndrome. Identifiers: Orphanet 140162, MedGen C0027672, MeSH D009386, MONDO:0015356.
Tuberous sclerosis 2 (TSC2). Identifiers: Orphanet 805, MedGen C1860707, MONDO:0013199, OMIM 613254.

Allele frequency attached by ClinVar (database versions not stated): gnomAD exomes below 0.00001.
gnomAD v4.1: 1 of 1,613,622 alleles (0.000062%); highest among the groups gnomAD compares: Non-Finnish European, 0.000085%; no homozygotes.

Submissions (2):

Ambry Genetics
Classification: Uncertain significance for Hereditary cancer-predisposing syndrome. Last evaluated: 2026-04-22. Review status: criteria provided, single submitter. Criteria: Ambry Variant Classification Scheme 2023. Collection method: clinical testing. Allele origin: germline.
Comment: The p.P754R variant (also known as c.2261C>G), located in coding exon 20 of the TSC2 gene, results from a C to G substitution at nucleotide position 2261. The proline at codon 754 is replaced by arginine, an amino acid with dissimilar properties. This amino acid position is conserved. In addition, the in silico prediction for this alteration is inconclusive. Based on the available evidence, the clinical significance of this variant remains unclear.

Labcorp Genetics (formerly Invitae), Labcorp
Classification: Uncertain significance for Tuberous sclerosis 2. Last evaluated: 2021-07-21. Review status: criteria provided, single submitter. Criteria: Invitae Variant Classification Sherloc (09022015). Collection method: clinical testing. Allele origin: germline.
Comment: This sequence change replaces proline with arginine at codon 754 of the TSC2 protein (p.Pro754Arg). The proline residue is highly conserved and there is a moderate physicochemical difference between proline and arginine. This variant is not present in population databases (ExAC no frequency). This variant has not been reported in the literature in individuals with TSC2-related conditions. Algorithms developed to predict the effect of missense changes on protein structure and function are either unavailable or do not agree on the potential impact of this missense change (SIFT: "Deleterious"; PolyPhen-2: "Probably Damaging"; Align-GVGD: "Class C0"). In summary, the available evidence is currently insufficient to determine the role of this variant in disease. Therefore, it has been classified as a Variant of Uncertain Significance.

NM_000548.5(TSC2):c.2261C>G (p.Pro754Arg)

Gene: TSC2 (TSC complex subunit 2; plus strand). Cytogenetic location: 16p13.3.
Variant type: single nucleotide variant.
Coding change: c.2261C>G on transcript NM_000548.5 (MANE Select); coding-DNA position 2261, C replaced by G.
Protein change: p.Pro754Arg; replaces proline 754 with arginine.
Molecular consequence: missense variant.
Genome position (GRCh38, 1-based): chr16:2,072,889, C>G. VCF-style: chr16-2072889-C-G. GRCh37 (hg19) VCF-style: chr16-2122890-C-G.
Other names: c.2261C>G, p.Pro754Arg (NM_001077183.3, NM_001114382.3, NM_001363528.2 and 3 more transcripts); c.2150C>G, p.Pro717Arg (NM_001318827.2); c.2114C>G, p.Pro705Arg (NM_001318829.2); c.1661C>G, p.Pro554Arg (NM_001318831.2); c.2294C>G, p.Pro765Arg (NM_001318832.2); short protein forms P754R, P765R, P554R, P705R, P717R.
Identifiers: ClinVar variation 940398 (VCV000940398.10), dbSNP rs2088690950, ClinGen allele CA394276409.